The following is an entry in ClinVar:

ClinVar aggregate classification (germline): Likely pathogenic (1 of 4 stars; one submission).

Submission:

Labcorp Genetics (formerly Invitae), Labcorp
Classification: Likely pathogenic. Last evaluated: 2024-01-22. Review status: criteria provided, single submitter. Criteria: Invitae Variant Classification Sherloc (09022015). Collection method: clinical testing. Allele origin: unknown.
Comment: This variant results in a copy number gain of the genomic region encompassing exon(s) 3-20 of the FRAS1 gene. While the exact position of this variant cannot be determined from the data, sub-genic copy number gains are generally in tandem (PMID: 25640679). This variant is predicted to be out-of-frame, and may result in an absent or disrupted protein product. Loss-of-function variants in FRAS1 are known to be pathogenic (PMID: 12766769, 18671281). This variant has not been reported in the literature in individuals affected with FRAS1-related conditions. In summary, the currently available evidence indicates that the variant is pathogenic, but additional data are needed to prove that conclusively. Therefore, this variant has been classified as Likely Pathogenic.

Literature cited by the submitters: PubMed 25640679; PubMed 12766769; PubMed 18671281.

NC_000004.11:g.(?_79158644)_(79258991_?)dup

Gene: FRAS1 (Fraser extracellular matrix complex subunit 1; plus strand). Cytogenetic location: 4q21.21.
Variant type: Duplication.
Identifiers: ClinVar variation 3246766 (VCV003246766.1).